The following is an entry in ClinVar:

ClinVar aggregate classification (germline): Likely benign. Review status: reviewed by expert panel (3 of 4 stars). 2 submissions from 2 submitters: Likely benign (1). 1 of the submissions does not count toward it. Last evaluated 2017-06-29.

Conditions:
Hereditary cancer-predisposing syndrome. Also called: Hereditary Cancer Syndrome; Neoplastic Syndromes, Hereditary; Tumor predisposition; Hereditary neoplastic syndrome. Identifiers: Orphanet 140162, MedGen C0027672, MeSH D009386, MONDO:0015356.
Breast-ovarian cancer, familial, susceptibility to, 2 (BROVCA2). Also called: BRCA2 Hereditary Breast and Ovarian Cancer. Identifiers: Orphanet 145, MedGen C2675520, MONDO:0012933, OMIM 612555. Disease mechanism: loss of function.

Allele frequency attached by ClinVar (database versions not stated): gnomAD exomes below 0.00001; ExAC 0.00001.
gnomAD v4.1: 1 of 1,614,174 alleles (0.000062%); highest among the groups gnomAD compares: Admixed American, 0.0017%; no homozygotes.

Submissions (2):

Evidence-based Network for the Interpretation of Germline Mutant Alleles (ENIGMA)
Classification: Likely benign for Breast-ovarian cancer, familial, susceptibility to, 2. Last evaluated: 2017-06-29. Review status: reviewed by expert panel. Criteria: ENIGMA BRCA1/2 Classification Criteria (2017-06-29). Collection method: curation. Allele origin: germline.
Comment: Synonymous substitution variant, with low bioinformatic likelihood to result in a splicing aberration (Splicing prior probability 0.02).

Ambry Genetics
Classification: Likely benign for Hereditary cancer-predisposing syndrome. Last evaluated: 2014-07-22. Review status: criteria provided, single submitter. Criteria: Ambry Variant Classification Scheme 2023. Collection method: clinical testing. Allele origin: germline. Not counted in ClinVar's aggregate classification.

NM_000059.4(BRCA2):c.10053T>C (p.Ala3351=)

Gene: BRCA2 (BRCA2 DNA repair associated; plus strand). Cytogenetic location: 13q13.1.
Variant type: single nucleotide variant.
Coding change: c.10053T>C on transcript NM_000059.4 (MANE Select); coding-DNA position 10053, T replaced by C.
Protein change: p.Ala3351=; no amino-acid change (alanine 3351 retained).
Molecular consequence: synonymous variant.
Genome position (GRCh38, 1-based): chr13:32,398,566, T>C. VCF-style: chr13-32398566-T-C. GRCh37 (hg19) VCF-style: chr13-32972703-T-C.
Identifiers: ClinVar variation 185750 (VCV000185750.7), dbSNP rs754254199, ClinGen allele CA010114.